The following is an entry in ClinVar:

NM_002519.3(NPAT):c.2216C>T (p.Ser739Phe)

Gene: NPAT (nuclear protein, coactivator of histone transcription; minus strand). Cytogenetic location: 11q22.3.
Variant type: single nucleotide variant.
Coding change: c.2216C>T on transcript NM_002519.3 (MANE Select); coding-DNA position 2216, C replaced by T.
Protein change: p.Ser739Phe; replaces serine 739 with phenylalanine.
Molecular consequence: missense variant.
Genome position (GRCh38, 1-based): chr11:108,172,768, G>A on the plus strand (C>T on the coding strand, the complement: NPAT is on the minus strand). VCF-style: chr11-108172768-G-A. GRCh37 (hg19) VCF-style: chr11-108043495-G-A.
Other names: c.2216C>T, p.Ser739Phe (NM_001321307.1); short protein forms S739F.
Identifiers: ClinVar variation 3300661 (VCV003300661.2).

ClinVar aggregate classification (germline): Uncertain significance. Review status: criteria provided, multiple submitters, no conflicts (2 of 4 stars). 2 submissions from 2 submitters: Uncertain significance (2). Last evaluated 2025-06-02.

gnomAD v4.1: 1 of 1,613,578 alleles (0.000062%); highest among the groups gnomAD compares: Non-Finnish European, 0.000085%; no homozygotes.

Submissions (2):

Labcorp Genetics (formerly Invitae), Labcorp
Classification: Uncertain significance. Last evaluated: 2025-06-02. Review status: criteria provided, single submitter. Criteria: Invitae Variant Classification Sherloc (09022015). Collection method: clinical testing. Allele origin: germline.
Comment: This sequence change replaces serine, which is neutral and polar, with phenylalanine, which is neutral and non-polar, at codon 739 of the NPAT protein (p.Ser739Phe). This variant is not present in population databases (gnomAD no frequency). This variant has not been reported in the literature in individuals affected with NPAT-related conditions. ClinVar contains an entry for this variant (Variation ID: 3300661). An algorithm developed to predict the effect of missense changes on protein structure and function (PolyPhen-2) suggests that this variant is likely to be disruptive. In summary, the available evidence is currently insufficient to determine the role of this variant in disease. Therefore, it has been classified as a Variant of Uncertain Significance.

Ambry Genetics
Classification: Uncertain significance. Last evaluated: 2024-04-11. Review status: criteria provided, single submitter. Criteria: Ambry Variant Classification Scheme 2023. Collection method: clinical testing. Allele origin: germline.
Comment: The p.S739F variant (also known as c.2216C>T), located in coding exon 13 of the NPAT gene, results from a C to T substitution at nucleotide position 2216. The serine at codon 739 is replaced by phenylalanine, an amino acid with highly dissimilar properties. This amino acid position is conserved. In addition, the in silico prediction for this alteration is inconclusive. Based on the available evidence, the clinical significance of this variant remains unclear.